The following is an entry in ClinVar:

NM_153240.5(NPHP3):c.3816T>C (p.Tyr1272=)

Genes: NPHP3 (nephrocystin 3; minus strand), NPHP3-ACAD11 (NPHP3-ACAD11 readthrough (NMD candidate); minus strand). Cytogenetic location: 3q22.1.
Variant type: single nucleotide variant.
Coding change: c.3816T>C on transcript NM_153240.5 (MANE Select); coding-DNA position 3816, T replaced by C.
Protein change: p.Tyr1272=; no amino-acid change (tyrosine 1272 retained).
Molecular consequence: synonymous variant. On other transcripts: non-coding transcript variant (1).
Genome position (GRCh38, 1-based): chr3:132,682,087, A>G on the plus strand (T>C on the coding strand, the complement: NPHP3 is on the minus strand). VCF-style: chr3-132682087-A-G. GRCh37 (hg19) VCF-style: chr3-132400931-A-G.
Other names: c.3816T>C (NM_153240.4).
Identifiers: ClinVar variation 1104909 (VCV001104909.14), dbSNP rs777264064, ClinGen allele CA2621619.

ClinVar aggregate classification (germline): Likely benign. Review status: criteria provided, multiple submitters, no conflicts (2 of 4 stars). 5 submissions from 5 submitters: Likely benign (4). 1 of the submissions does not count toward it. Last evaluated 2026-01-27.

Conditions:
Nephronophthisis. Also called: Juvenile Nephronophthisis. Identifiers: Orphanet 655, MedGen C0687120, MONDO:0019005, HP:0000090.
NPHP3-related disorder. Also called: NPHP3-related condition; NPHP3-related disorders. Identifiers: MedGen CN379163.
NPHP3-related Meckel-like syndrome. Also called: Meckel syndrome type 7; GOLDSTON SYNDROME. Identifiers: Orphanet 3032, MedGen C2673885, MONDO:0009966, OMIM 267010.
Nephronophthisis 3 (NPHP3). Also called: Adolescent nephronophthisis. Identifiers: Orphanet 655, MedGen C1858392, MONDO:0011456, OMIM 604387.
Renal-hepatic-pancreatic dysplasia 1 (RHPD1). Identifiers: MedGen C3715199, MONDO:0008833, OMIM 208540.

Allele frequency attached by ClinVar (database versions not stated): gnomAD 0.00001; gnomAD exomes 0.00002 and 0.00003; TOPMed 0.00002; ExAC 0.00007.
gnomAD v4.1: 32 of 1,613,534 alleles (0.002%); highest among the groups gnomAD compares: Middle Eastern, 0.049%; no homozygotes.

Submissions (5):

Labcorp Genetics (formerly Invitae), Labcorp
Classification: Likely benign for Nephronophthisis. Last evaluated: 2026-01-27. Review status: criteria provided, single submitter. Criteria: Invitae Variant Classification Sherloc (09022015). Collection method: clinical testing. Allele origin: germline.

Blueprint Genetics
Classification: Likely benign. Last evaluated: 2023-05-16. Review status: criteria provided, single submitter. Criteria: ACMG Guidelines, 2015. Collection method: clinical testing. Allele origin: germline.

Fulgent Genetics
Classification: Likely benign for Renal-hepatic-pancreatic dysplasia 1; NPHP3-related Meckel-like syndrome; Nephronophthisis 3. Last evaluated: 2021-12-22. Review status: criteria provided, single submitter. Criteria: ACMG Guidelines, 2015. Collection method: clinical testing. Allele origin: unknown.

Breakthrough Genomics
Classification: Likely benign. Review status: criteria provided, single submitter. Criteria: ACMG Guidelines, 2015. Collection method: not provided. Allele origin: germline. Inheritance: Autosomal recessive inheritance. Affected: yes.

PreventionGenetics, part of Exact Sciences
Classification: Likely benign for NPHP3-related condition. Last evaluated: 2021-07-02. Review status: no assertion criteria provided. Collection method: clinical testing. Allele origin: germline. Not counted in ClinVar's aggregate classification.
Comment: This variant is classified as likely benign based on ACMG/AMP sequence variant interpretation guidelines (Richards et al. 2015 PMID: 25741868, with internal and published modifications).